The following is an entry in ClinVar:

NM_001267550.2(TTN):c.28175-22T>C

Gene: TTN (titin; minus strand). Cytogenetic location: 2q31.2.
Variant type: single nucleotide variant.
Coding change: c.28175-22T>C on transcript NM_001267550.2 (MANE Select); 22 bases into the intron before coding-DNA position 28175, T replaced by C.
Molecular consequence: intron variant.
Genome position (GRCh38, 1-based): chr2:178,710,944, A>G on the plus strand (T>C on the coding strand, the complement: TTN is on the minus strand). VCF-style: chr2-178710944-A-G. GRCh37 (hg19) VCF-style: chr2-179575671-A-G.
Other names: c.13282+27138T>C (NM_003319.4); c.13858+27138T>C (NM_133437.4); c.13657+27138T>C (NM_133432.3); c.24443-22T>C (NM_133378.4); c.27224-22T>C (NM_001256850.1).
Identifiers: ClinVar variation 4854626 (VCV004854626.1).

ClinVar aggregate classification (germline): Uncertain significance (1 of 4 stars; one submission).

Conditions:
Early-onset myopathy with fatal cardiomyopathy (CMYO5). Also called: Salih Myopathy; CONGENITAL MYOPATHY 5 WITH CARDIOMYOPATHY. Identifiers: Orphanet 289377, MedGen C2673677, MONDO:0012714, OMIM 611705. Disease mechanism: loss of function.

gnomAD v4.1: 21 of 1,600,826 alleles (0.0013%); highest among the groups gnomAD compares: East Asian, 0.018%; no homozygotes.

Submission:

3billion
Classification: Uncertain significance for Early-onset myopathy with fatal cardiomyopathy. Last evaluated: 2025-10-31. Review status: criteria provided, single submitter. Criteria: ACMG Guidelines, 2015. Collection method: clinical testing. Allele origin: germline. Affected: yes.
Comment: The variant is observed at an extremely low frequency in the gnomAD v4.1.0 dataset (total allele frequency: 0.001%). Predicted Consequence/Location: Intron variant In silico tools predict the variant to alter splicing and produce an abnormal transcript [SpliceAI: 0.47 (>=0.2, moderate evidence for spliceogenicity)]. Therefore, this variant is classified as VUS according to the recommendation of ACMG/AMP guideline.